The following is an entry in ClinVar:

ClinVar aggregate classification (germline): Uncertain significance (1 of 4 stars; one submission).

Allele frequency attached by ClinVar (database versions not stated): 1000 Genomes Project 30x 0.01515.

Submission:

Ambry Genetics
Classification: Uncertain significance. Last evaluated: 2026-01-09. Review status: criteria provided, single submitter. Criteria: Ambry Variant Classification Scheme 2023. Collection method: clinical testing. Allele origin: germline.
Comment: The c.8405C>T (p.T2802I) alteration is located in exon 3 (coding exon 3) of the MUC17 gene. This alteration results from a C to T substitution at nucleotide position 8405, causing the threonine (T) at amino acid position 2802 to be replaced by an isoleucine (I). Based on data from gnomAD, the T allele has an overall frequency of 0.001% (3/278310) total alleles studied. The highest observed frequency was 0.003% (1/34816) of Latino alleles. Based on insufficient or conflicting evidence, the clinical significance of this alteration remains unclear.

NM_001040105.2(MUC17):c.8405C>T (p.Thr2802Ile)

Gene: MUC17 (mucin 17, cell surface associated; plus strand). Cytogenetic location: 7q22.1.
Variant type: single nucleotide variant.
Coding change: c.8405C>T on transcript NM_001040105.2 (MANE Select); coding-DNA position 8405, C replaced by T.
Protein change: p.Thr2802Ile; replaces threonine 2802 with isoleucine.
Molecular consequence: missense variant. On other transcripts: non-coding transcript variant (1).
Genome position (GRCh38, 1-based): chr7:101,039,821, C>T. VCF-style: chr7-101039821-C-T. GRCh37 (hg19) VCF-style: chr7-100683102-C-T.
Other names: short protein forms T2802I.
Identifiers: ClinVar variation 3219959 (VCV003219959.2), dbSNP rs1476531915, ClinGen allele CA368704746.